The following is an entry in ClinVar:

NM_000080.4(CHRNE):c.1228T>C (p.Cys410Arg)

Gene: CHRNE (cholinergic receptor nicotinic epsilon subunit; minus strand). Cytogenetic location: 17p13.2.
Variant type: single nucleotide variant.
Coding change: c.1228T>C on transcript NM_000080.4 (MANE Select); coding-DNA position 1228, T replaced by C.
Protein change: p.Cys410Arg; replaces cysteine 410 with arginine.
Molecular consequence: missense variant.
Genome position (GRCh38, 1-based): chr17:4,899,099, A>G on the plus strand (T>C on the coding strand, the complement: CHRNE is on the minus strand). VCF-style: chr17-4899099-A-G. GRCh37 (hg19) VCF-style: chr17-4802394-A-G.
Other names: short protein forms C410R.
Identifiers: ClinVar variation 888745 (VCV000888745.7), dbSNP rs753739289, ClinGen allele CA8313930.
Genomic context (GRCh38, chr17:4,899,099, plus strand): 5'-CGAAGTTCACGGCATCCACACAGCAGCGGACCTCGGGGGCGGCGGCGCCCAGGCTCTGGC[A>G]GAAGGCAGCTGGCGGGGAAAACACCGGGGTGGGCCTTAGGAGCCTCCCCCCTGGCAGGCA-3'
Protein context (NP_000071.1, residues 400-420): HRQGTWTAAF[Cys410Arg]QSLGAAAPEV

ClinVar aggregate classification (germline): Uncertain significance. Review status: criteria provided, multiple submitters, no conflicts (2 of 4 stars). 3 submissions from 3 submitters: Uncertain significance (3). Last evaluated 2025-12-16.

Conditions:
Congenital myasthenic syndrome 4A. Also called: CONGENITAL MYASTHENIC SYNDROME TYPE Ia1; Myasthenic syndrome, congenital, 4a, slow-channel; MYASTHENIC SYNDROME, CONGENITAL, 4A, SLOW-CHANNEL, AUTOSOMAL RECESSIVE. Identifiers: Orphanet 590, MedGen C4225413, MONDO:0011600, OMIM 605809.
Inborn genetic diseases. Identifiers: MedGen C0950123, MeSH D030342.
Congenital myasthenic syndrome (CMS). Also called: Congenital Myasthenic Syndromes. Identifiers: Orphanet 590, MedGen C0751882, MeSH D020294, MONDO:0018940.

Allele frequency attached by ClinVar (database versions not stated): gnomAD exomes below 0.00001 and 0.00001; ExAC 0.00001; gnomAD 0.00001; TOPMed 0.00001.

Submissions (3):

Ambry Genetics
Classification: Uncertain significance for Inborn genetic diseases. Last evaluated: 2025-12-16. Review status: criteria provided, single submitter. Criteria: Ambry Variant Classification Scheme 2023. Collection method: clinical testing. Allele origin: germline.

Labcorp Genetics (formerly Invitae), Labcorp
Classification: Uncertain significance for Congenital myasthenic syndrome 4A. Last evaluated: 2025-11-24. Review status: criteria provided, single submitter. Criteria: Invitae Variant Classification Sherloc (09022015). Collection method: clinical testing. Allele origin: germline.
Comment: This sequence change replaces cysteine, which is neutral and slightly polar, with arginine, which is basic and polar, at codon 410 of the CHRNE protein (p.Cys410Arg). This variant is present in population databases (rs753739289, gnomAD 0.002%). This variant has not been reported in the literature in individuals affected with CHRNE-related conditions. ClinVar contains an entry for this variant (Variation ID: 888745). Invitae Evidence Modeling of protein sequence and biophysical properties (such as structural, functional, and spatial information, amino acid conservation, physicochemical variation, residue mobility, and thermodynamic stability) indicates that this missense variant is not expected to disrupt CHRNE protein function with a negative predictive value of 95%. In summary, the available evidence is currently insufficient to determine the role of this variant in disease. Therefore, it has been classified as a Variant of Uncertain Significance.

Illumina Laboratory Services, Illumina
Classification: Uncertain significance for Congenital myasthenic syndrome. Last evaluated: 2017-04-27. Review status: criteria provided, single submitter. Criteria: ICSL Variant Classification Criteria 13 December 2019. Collection method: clinical testing. Allele origin: germline.